The following is an entry in ClinVar:

ClinVar aggregate classification (germline): Uncertain significance. Review status: criteria provided, multiple submitters, no conflicts (2 of 4 stars). 2 submissions from 2 submitters: Uncertain significance (2). Last evaluated 2025-02-19.

Conditions:
Inborn genetic diseases. Identifiers: MedGen C0950123, MeSH D030342.

gnomAD v4.1: 5 of 1,613,928 alleles (0.00031%); highest among the groups gnomAD compares: African/African-American, 0.0013%; no homozygotes.

Submissions (2):

Ambry Genetics
Classification: Uncertain significance for Inborn genetic diseases. Last evaluated: 2025-02-19. Review status: criteria provided, single submitter. Criteria: Ambry Variant Classification Scheme 2023. Collection method: clinical testing. Allele origin: germline.

Labcorp Genetics (formerly Invitae), Labcorp
Classification: Uncertain significance. Last evaluated: 2022-04-07. Review status: criteria provided, single submitter. Criteria: Invitae Variant Classification Sherloc (09022015). Collection method: clinical testing. Allele origin: germline.
Comment: In summary, the available evidence is currently insufficient to determine the role of this variant in disease. Therefore, it has been classified as a Variant of Uncertain Significance. Advanced modeling of protein sequence and biophysical properties (such as structural, functional, and spatial information, amino acid conservation, physicochemical variation, residue mobility, and thermodynamic stability) performed at Invitae indicates that this missense variant is not expected to disrupt DCHS1 protein function. This variant has not been reported in the literature in individuals affected with DCHS1-related conditions. This variant is not present in population databases (gnomAD no frequency). This sequence change replaces aspartic acid, which is acidic and polar, with glutamic acid, which is acidic and polar, at codon 2425 of the DCHS1 protein (p.Asp2425Glu).

NM_003737.4(DCHS1):c.7275C>G (p.Asp2425Glu)

Gene: DCHS1 (dachsous cadherin-related 1; minus strand). Cytogenetic location: 11p15.4.
Variant type: single nucleotide variant.
Coding change: c.7275C>G on transcript NM_003737.4 (MANE Select); coding-DNA position 7275, C replaced by G.
Protein change: p.Asp2425Glu; replaces aspartic acid 2425 with glutamic acid.
Molecular consequence: missense variant.
Genome position (GRCh38, 1-based): chr11:6,624,740, G>C on the plus strand (C>G on the coding strand, the complement: DCHS1 is on the minus strand). VCF-style: chr11-6624740-G-C. GRCh37 (hg19) VCF-style: chr11-6645971-G-C.
Other names: c.7275C>G (NM_003737.2); short protein forms D2425E.
Identifiers: ClinVar variation 1944140 (VCV001944140.6), dbSNP rs763128348, ClinGen allele CA379483424.